The following is an entry in ClinVar:

ClinVar aggregate classification (germline): Benign/Likely benign (0 of 4 stars; one submission).

Submission:

ISCA Site 6
Classification: Benign/Likely benign. Review status: no assertion criteria provided. Collection method: clinical testing. Allele origin: unknown. Affected: yes. Observed: 5 variant alleles. Clinical features observed: Developmental delay AND/OR other significant developmental or morphological phenotypes.
Comment: Likely benign (2), Benign (3)

Copy number variation identified through the course of routine clinical cytogenomic testing in postnatal populations, with clinical assertions as classified by the original submitter. For data from the original published study, Kaminsky, et al. 2011 (PubMed 21844811), please see nstd101.

GRCh37/hg19 2q13(chr2:110873992-110966643)x1

Genes: MALL (mal, T cell differentiation protein like; minus strand), NPHP1 (nephrocystin 1; minus strand). Cytogenetic location: 2q13.
Variant type: copy number loss.
Change: copy number 1 (one copy instead of two) of chr2:110,873,992-110,966,643 (92.7 kb, GRCh37 coordinates, 1-based), cytogenetic band 2q13.
Identifiers: ClinVar variation 394703 (VCV000394703.3).